The following is an entry in ClinVar:

NM_020821.3(VPS13C):c.1330G>C (p.Ala444Pro)

Gene: VPS13C (vacuolar protein sorting 13 homolog C; minus strand). Cytogenetic location: 15q22.2.
Variant type: single nucleotide variant.
Coding change: c.1330G>C on transcript NM_020821.3 (MANE Select); coding-DNA position 1330, G replaced by C.
Protein change: p.Ala444Pro; replaces alanine 444 with proline.
Molecular consequence: missense variant.
Genome position (GRCh38, 1-based): chr15:62,000,587, C>G on the plus strand (G>C on the coding strand, the complement: VPS13C is on the minus strand). VCF-style: chr15-62000587-C-G. GRCh37 (hg19) VCF-style: chr15-62292786-C-G.
Other names: c.1330G>C, p.Ala444Pro (NM_001018088.3); c.1201G>C, p.Ala401Pro (NM_017684.5, NM_018080.4); short protein forms A401P, A444P.
Identifiers: ClinVar variation 2645405 (VCV002645405.24), dbSNP rs371007037, ClinGen allele CA7597107.

ClinVar aggregate classification (germline): Uncertain significance (1 of 4 stars; one submission).

Allele frequency attached by ClinVar (database versions not stated): ESP Exome Variant Server 0.00008.
gnomAD v4.1: 102 of 1,607,650 alleles (0.0063%); highest among the groups gnomAD compares: Non-Finnish European, 0.0084%; no homozygotes.

Submission:

CeGaT Center for Human Genetics Tuebingen
Classification: Uncertain significance. Last evaluated: 2026-08-01. Review status: criteria provided, single submitter. Criteria: CeGaT Center For Human Genetics Tuebingen Variant Classification Criteria Version 2. Collection method: clinical testing. Allele origin: germline. Affected: yes. Observed: 2 variant alleles.
Comment: VPS13C: PM2, PM3:Supporting, PS3:Supporting, BP4